The following is an entry in ClinVar:

NM_012293.3(PXDN):c.3224C>T (p.Thr1075Met)

Gene: PXDN (peroxidasin; minus strand). Cytogenetic location: 2p25.3.
Variant type: single nucleotide variant.
Coding change: c.3224C>T on transcript NM_012293.3 (MANE Select); coding-DNA position 3224, C replaced by T.
Protein change: p.Thr1075Met; replaces threonine 1075 with methionine.
Molecular consequence: missense variant.
Genome position (GRCh38, 1-based): chr2:1,648,556, G>A on the plus strand (C>T on the coding strand, the complement: PXDN is on the minus strand). VCF-style: chr2-1648556-G-A. GRCh37 (hg19) VCF-style: chr2-1652328-G-A.
Other names: short protein forms T1075M.
Identifiers: ClinVar variation 2187368 (VCV002187368.4), dbSNP rs767758619, ClinGen allele CA1512785.

ClinVar aggregate classification (germline): Uncertain significance (1 of 4 stars; one submission).

Conditions:
Anterior segment dysgenesis 7 (ASGD7). Also called: SCLEROCORNEA WITH OTHER OCULAR ANOMALIES; Anterior segment dysgenesis 7, with sclerocornea. Identifiers: Orphanet 289499, MedGen C3151617, MONDO:0010015, OMIM 269400.

Allele frequency attached by ClinVar (database versions not stated): gnomAD 0.00001; ExAC 0.00002.
gnomAD v4.1: 8 of 1,613,684 alleles (0.0005%); highest among the groups gnomAD compares: South Asian, 0.0011%; no homozygotes.

Submission:

Labcorp Genetics (formerly Invitae), Labcorp
Classification: Uncertain significance for Anterior segment dysgenesis 7. Last evaluated: 2022-07-26. Review status: criteria provided, single submitter. Criteria: Invitae Variant Classification Sherloc (09022015). Collection method: clinical testing. Allele origin: germline.
Comment: Algorithms developed to predict the effect of missense changes on protein structure and function (SIFT, PolyPhen-2, Align-GVGD) all suggest that this variant is likely to be disruptive. This missense change has been observed in individual(s) with Corneal opacification and other ocular anomalies (Invitae). In at least one individual the data is consistent with being in trans (on the opposite chromosome) from a pathogenic variant. This variant is present in population databases (rs767758619, gnomAD 0.01%). This sequence change replaces threonine, which is neutral and polar, with methionine, which is neutral and non-polar, at codon 1075 of the PXDN protein (p.Thr1075Met). In summary, the available evidence is currently insufficient to determine the role of this variant in disease. Therefore, it has been classified as a Variant of Uncertain Significance.